The following is an entry in ClinVar:

ClinVar aggregate classification (germline): Uncertain significance (1 of 4 stars; one submission).

gnomAD v4.1: 2 of 1,604,626 alleles (0.00012%); highest among the groups gnomAD compares: African/African-American, 0.0013%; no homozygotes.

Submission:

Ambry Genetics
Classification: Uncertain significance. Last evaluated: 2026-04-14. Review status: criteria provided, single submitter. Criteria: Ambry Variant Classification Scheme 2023. Collection method: clinical testing. Allele origin: germline.
Comment: The c.1979A>T (p.E660V) alteration is located in exon 15 (coding exon 15) of the SCRIB gene. This alteration results from a A to T substitution at nucleotide position 1979, causing the glutamic acid (E) at amino acid position 660 to be replaced by a valine (V). Based on data from gnomAD, the T allele has an overall frequency of <0.001% (1/240006) total alleles studied. The highest observed frequency was 0.006% (1/16112) of African alleles. Based on insufficient or conflicting evidence, the clinical significance of this alteration remains unclear.

NM_182706.5(SCRIB):c.1979A>T (p.Glu660Val)

Gene: SCRIB (scribble planar cell polarity protein; minus strand). Cytogenetic location: 8q24.3.
Variant type: single nucleotide variant.
Coding change: c.1979A>T on transcript NM_182706.5 (MANE Select); coding-DNA position 1979, A replaced by T.
Protein change: p.Glu660Val; replaces glutamic acid 660 with valine.
Molecular consequence: missense variant.
Genome position (GRCh38, 1-based): chr8:143,808,745, T>A on the plus strand (A>T on the coding strand, the complement: SCRIB is on the minus strand). VCF-style: chr8-143808745-T-A. GRCh37 (hg19) VCF-style: chr8-144890915-T-A.
Other names: c.1979A>T, p.Glu660Val (NM_015356.5); short protein forms E660V.
Identifiers: ClinVar variation 4864194 (VCV004864194.1).